The following is an entry in ClinVar:

NM_006642.5(SDCCAG8):c.2070G>A (p.Glu690=)

Genes: AKT3 (AKT serine/threonine kinase 3; minus strand), SDCCAG8 (SHH signaling and ciliogenesis regulator SDCCAG8; plus strand). Cytogenetic location: 1q43.
Variant type: single nucleotide variant.
Coding change: c.2070G>A on transcript NM_006642.5 (MANE Select); coding-DNA position 2070, G replaced by A.
Protein change: p.Glu690=; no amino-acid change (glutamic acid 690 retained).
Molecular consequence: synonymous variant. On other transcripts: intron variant (1).
Genome position (GRCh38, 1-based): chr1:243,489,098, G>A. VCF-style: chr1-243489098-G-A. GRCh37 (hg19) VCF-style: chr1-243652400-G-A.
Other names: c.1167G>A, p.Glu389= (NM_001350246.2, NM_001350247.2, NM_001350251.2); c.2166G>A, p.Glu722= (NM_001350248.2); c.1776G>A, p.Glu592= (NM_001350249.2); c.*7-648C>T (NM_181690.2).
Identifiers: ClinVar variation 2932643 (VCV002932643.5), dbSNP rs967998814, ClinGen allele CA41016494.

ClinVar aggregate classification (germline): Likely benign. Review status: criteria provided, single submitter (1 of 4 stars). 2 submissions from 2 submitters: Likely benign (1). 1 of the submissions does not count toward it. Last evaluated 2024-10-07.

Conditions:
Senior-Loken syndrome 7 (SLSN7). Identifiers: Orphanet 3156, MedGen C3150877, MONDO:0013326, OMIM 613615.
Bardet-Biedl syndrome 16 (BBS16). Identifiers: Orphanet 110, MedGen C3889474, MONDO:0014444, OMIM 615993.
SDCCAG8-related disorder. Also called: SDCCAG8-Related Disorders; SDCCAG8-related condition.

Allele frequency attached by ClinVar (database versions not stated): gnomAD exomes below 0.00001.
gnomAD v4.1: 1 of 1,613,314 alleles (0.000062%); highest among the groups gnomAD compares: Non-Finnish European, 0.000085%; no homozygotes.

Submissions (2):

Labcorp Genetics (formerly Invitae), Labcorp
Classification: Likely benign for Bardet-Biedl syndrome 16; Senior-Loken syndrome 7. Last evaluated: 2024-10-07. Review status: criteria provided, single submitter. Criteria: Invitae Variant Classification Sherloc (09022015). Collection method: clinical testing. Allele origin: germline.

PreventionGenetics, part of Exact Sciences
Classification: Likely benign for SDCCAG8-related condition. Last evaluated: 2023-12-07. Review status: no assertion criteria provided. Collection method: clinical testing. Allele origin: germline. Not counted in ClinVar's aggregate classification.
Comment: This variant is classified as likely benign based on ACMG/AMP sequence variant interpretation guidelines (Richards et al. 2015 PMID: 25741868, with internal and published modifications).